The following is an entry in ClinVar:

ClinVar aggregate classification (germline): Pathogenic (1 of 4 stars; one submission).

Allele frequency attached by ClinVar (database versions not stated): gnomAD exomes below 0.00001; ExAC 0.00001.

Submission:

Labcorp Genetics (formerly Invitae), Labcorp
Classification: Pathogenic. Last evaluated: 2022-07-06. Review status: criteria provided, single submitter. Criteria: Invitae Variant Classification Sherloc (09022015). Collection method: clinical testing. Allele origin: germline.
Comment: For these reasons, this variant has been classified as Pathogenic. This variant has not been reported in the literature in individuals affected with CPLANE1-related conditions. This variant is present in population databases (rs761502897, gnomAD 0.0009%). This sequence change creates a premature translational stop signal (p.Glu1945*) in the CPLANE1 gene. It is expected to result in an absent or disrupted protein product. Loss-of-function variants in CPLANE1 are known to be pathogenic (PMID: 24178751, 26092869).

Literature cited by the submitters: PubMed 24178751; PubMed 26092869.

NM_001384732.1(CPLANE1):c.5833G>T (p.Glu1945Ter)

Gene: CPLANE1 (ciliogenesis and planar polarity effector complex subunit 1; minus strand). Cytogenetic location: 5p13.2.
Variant type: single nucleotide variant.
Coding change: c.5833G>T on transcript NM_001384732.1 (MANE Select); coding-DNA position 5833, G replaced by T.
Protein change: p.Glu1945Ter; replaces glutamic acid 1945 with a stop codon.
Molecular consequence: nonsense.
Genome position (GRCh38, 1-based): chr5:37,177,688, C>A on the plus strand (G>T on the coding strand, the complement: CPLANE1 is on the minus strand). VCF-style: chr5-37177688-C-A. GRCh37 (hg19) VCF-style: chr5-37177790-C-A.
Other names: c.5833G>T, p.Glu1945Ter (NM_023073.4); short protein forms E1945*.
Identifiers: ClinVar variation 1453073 (VCV001453073.6), dbSNP rs761502897, ClinGen allele CA3238427.